The following is an entry in ClinVar:

NM_000350.3(ABCA4):c.1118del (p.Ala372_Leu373insTer)

Gene: ABCA4 (ATP binding cassette subfamily A member 4; minus strand). Cytogenetic location: 1p22.1.
Variant type: Deletion.
Coding change: c.1118del on transcript NM_000350.3 (MANE Select); coding-DNA position 1118, one base deleted (T; older notation c.1118delT).
Protein change: p.Ala372_Leu373insTer.
Molecular consequence: nonsense. On other transcripts: frameshift variant (1).
Genome position (GRCh38, 1-based): chr1:94,079,443, A deleted on the plus strand (T on the coding strand, the reverse complement: ABCA4 is on the minus strand); the first of 2 consecutive A bases (chr1:94,079,443-94,079,444); deleting either gives the same sequence. VCF-style (leftmost placement, unchanged base first): chr1-94079442-CA-C. GRCh37 (hg19) VCF-style: chr1-94544998-CA-C.
Other names: c.1117delT, p.Leu373Terfs (NM_001425324.1).
Identifiers: ClinVar variation 1458022 (VCV001458022.6), dbSNP rs2101104619, ClinGen allele CA2573132732.
Genomic context (GRCh38, chr1:94,079,442, plus strand): 5'-CAAAGGCTTTGCCGCCCTCCAAGCGATTTTGGTTAAAGGATTTGACTCCAGGCTCTGGAT[CA>C]ATGCATTACAAAAGGATGCTGCCAGGAGACAAGGGACAGATTTTACAGAAACTCCCCATT-3'

ClinVar aggregate classification (germline): Pathogenic (1 of 4 stars; one submission).

Submission:

Labcorp Genetics (formerly Invitae), Labcorp
Classification: Pathogenic. Last evaluated: 2022-11-28. Review status: criteria provided, single submitter. Criteria: Invitae Variant Classification Sherloc (09022015). Collection method: clinical testing. Allele origin: germline.
Comment: This variant has not been reported in the literature in individuals affected with ABCA4-related conditions. This variant is not present in population databases (gnomAD no frequency). This sequence change creates a premature translational stop signal (p.Leu373*) in the ABCA4 gene. It is expected to result in an absent or disrupted protein product. Loss-of-function variants in ABCA4 are known to be pathogenic (PMID: 10958761, 24938718, 25312043, 26780318). ClinVar contains an entry for this variant (Variation ID: 1458022). For these reasons, this variant has been classified as Pathogenic.

Literature cited by the submitters: PubMed 10958761; PubMed 24938718; PubMed 25312043; PubMed 26780318.